The following is an entry in ClinVar:

ClinVar aggregate classification (germline): Likely benign. Review status: criteria provided, single submitter (1 of 4 stars). 2 submissions from 2 submitters: Likely benign (1). 1 of the submissions does not count toward it. Last evaluated 2026-01-11.

Conditions:
ITGAM-related disorder. Also called: ITGAM-related condition.

Allele frequency attached by ClinVar (database versions not stated): gnomAD 0.00001; gnomAD exomes 0.00001; ExAC 0.00003; TOPMed 0.00004.
gnomAD v4.1: 9 of 1,605,462 alleles (0.00056%); highest among the groups gnomAD compares: East Asian, 0.02%; no homozygotes.

Submissions (2):

Labcorp Genetics (formerly Invitae), Labcorp
Classification: Likely benign. Last evaluated: 2026-01-11. Review status: criteria provided, single submitter. Criteria: Invitae Variant Classification Sherloc (09022015). Collection method: clinical testing. Allele origin: germline.

PreventionGenetics, part of Exact Sciences
Classification: Likely benign for ITGAM-related condition. Last evaluated: 2021-06-22. Review status: no assertion criteria provided. Collection method: clinical testing. Allele origin: germline. Not counted in ClinVar's aggregate classification.
Comment: This variant is classified as likely benign based on ACMG/AMP sequence variant interpretation guidelines (Richards et al. 2015 PMID: 25741868, with internal and published modifications).

NM_000632.4(ITGAM):c.1263G>T (p.Leu421=)

Gene: ITGAM (integrin subunit alpha M; plus strand). Cytogenetic location: 16p11.2.
Variant type: single nucleotide variant.
Coding change: c.1263G>T on transcript NM_000632.4 (MANE Select); coding-DNA position 1263, G replaced by T.
Protein change: p.Leu421=; no amino-acid change (leucine 421 retained).
Molecular consequence: synonymous variant.
Genome position (GRCh38, 1-based): chr16:31,278,016, G>T. VCF-style: chr16-31278016-G-T. GRCh37 (hg19) VCF-style: chr16-31289337-G-T.
Other names: c.1263G>T, p.Leu421= (NM_001145808.2); c.1263G>T (NM_000632.3).
Identifiers: ClinVar variation 1562501 (VCV001562501.11), dbSNP rs747384775, ClinGen allele CA8025485.
Genomic context (GRCh38, chr16:31,278,016, plus strand): 5'-CCCACCTTCAGGTTATGCTGCCGCCATCATCTTACGGAACCGGGTGCAAAGCCTGGTTCT[G>T]GGGGCACCTCGATATCAGCACATCGGCCTGGTAGCGATGTTCAGGCAGAACACTGGCATG-3'
Protein context (NP_000623.2, residues 411-431): ILRNRVQSLV[Leu421=]GAPRYQHIGL